The following is an entry in ClinVar:

ClinVar aggregate classification (germline): Likely benign. Review status: criteria provided, multiple submitters, no conflicts (2 of 4 stars). 2 submissions from 2 submitters: Likely benign (2). Last evaluated 2026-04-13.

Conditions:
DICER1-related tumor predisposition. Also called: DICER1-related pleuropulmonary blastoma cancer predisposition syndrome; DICER1 syndrome. Identifiers: Orphanet 284343, MedGen C3839822, MONDO:0100216.

Submissions (2):

Myriad Genetics, Inc.
Classification: Likely benign for DICER1-related tumor predisposition. Last evaluated: 2026-04-13. Review status: criteria provided, single submitter. Criteria: Myriad Autosomal Dominant, Autosomal Recessive and X-Linked Classification Criteria (2023). Collection method: clinical testing. Allele origin: unknown.
Comment: This variant is considered likely benign. This variant is intronic and is not expected to impact mRNA splicing.

Labcorp Genetics (formerly Invitae), Labcorp
Classification: Likely benign for DICER1-related tumor predisposition. Last evaluated: 2025-02-09. Review status: criteria provided, single submitter. Criteria: Invitae Variant Classification Sherloc (09022015). Collection method: clinical testing. Allele origin: germline.

NM_177438.3(DICER1):c.1752+10A>G

Gene: DICER1 (dicer 1, ribonuclease III; minus strand). Cytogenetic location: 14q32.13.
Variant type: single nucleotide variant.
Coding change: c.1752+10A>G on transcript NM_177438.3 (MANE Select); 10 bases into the intron after coding-DNA position 1752, A replaced by G.
Molecular consequence: intron variant.
Genome position (GRCh38, 1-based): chr14:95,116,443, T>C on the plus strand (A>G on the coding strand, the complement: DICER1 is on the minus strand). VCF-style: chr14-95116443-T-C. GRCh37 (hg19) VCF-style: chr14-95582780-T-C.
Other names: c.1752+10A>G (NM_001291628.2, NM_030621.4, NM_001271282.3 and 1 more transcripts).
Identifiers: ClinVar variation 543660 (VCV000543660.11), dbSNP rs1555372809, ClinGen allele CA658798257.